The following is an entry in ClinVar:

ClinVar aggregate classification (germline): Uncertain significance (1 of 4 stars; one submission).

Conditions:
COL4A1-related disorder. Also called: COL4A1-related condition; COL4A1-related disorders. Identifiers: MedGen CN376119, MONDO:0800461.

Submission:

PreventionGenetics, part of Exact Sciences
Classification: Uncertain significance for COL4A1-related condition. Last evaluated: 2023-03-03. Review status: criteria provided, single submitter. Criteria: ACMG Guidelines, 2015. Collection method: clinical testing. Allele origin: germline.
Comment: The COL4A1 c.4348A>G variant is predicted to result in the amino acid substitution p.Arg1450Gly. To our knowledge, this variant has not been reported in the literature or in a large population database, indicating this variant is rare. At this time, the clinical significance of this variant is uncertain due to the absence of conclusive functional and genetic evidence.

NM_001845.6(COL4A1):c.4348A>G (p.Arg1450Gly)

Gene: COL4A1 (collagen type IV alpha 1 chain; minus strand). Cytogenetic location: 13q34.
Variant type: single nucleotide variant.
Coding change: c.4348A>G on transcript NM_001845.6 (MANE Select); coding-DNA position 4348, A replaced by G.
Protein change: p.Arg1450Gly; replaces arginine 1450 with glycine.
Molecular consequence: missense variant.
Genome position (GRCh38, 1-based): chr13:110,162,344, T>C on the plus strand (A>G on the coding strand, the complement: COL4A1 is on the minus strand). VCF-style: chr13-110162344-T-C. GRCh37 (hg19) VCF-style: chr13-110814691-T-C.
Other names: short protein forms R1450G.
Identifiers: ClinVar variation 2633464 (VCV002633464.1), dbSNP rs2501738491, ClinGen allele CA388658203.
Genomic context (GRCh38, chr13:110,162,344, plus strand): 5'-CGTGGTAAAGAATTTTGGTCCCAGAAGGACACTGTGGGTCATCTATTGTTTGACTATGCC[T>C]GGTCACAAGGAAGCCGTGATCAACAGATGGGGTGCCTGGGGGCCCCATGGATCCTGGCAA-3'
Protein context (NP_001836.3, residues 1440-1460): PSVDHGFLVT[Arg1450Gly]HSQTIDDPQC